The following is an entry in ClinVar:

NM_004364.5(CEBPA):c.866G>T (p.Arg289Leu)

Gene: CEBPA (CCAAT enhancer binding protein alpha; minus strand). Cytogenetic location: 19q13.11.
Variant type: single nucleotide variant.
Coding change: c.866G>T on transcript NM_004364.5 (MANE Select); coding-DNA position 866, G replaced by T.
Protein change: p.Arg289Leu; replaces arginine 289 with leucine.
Molecular consequence: missense variant.
Genome position (GRCh38, 1-based): chr19:33,301,549, C>A on the plus strand (G>T on the coding strand, the complement: CEBPA is on the minus strand). VCF-style: chr19-33301549-C-A. GRCh37 (hg19) VCF-style: chr19-33792455-C-A.
Other names: c.509G>T, p.Arg170Leu (NM_001285829.2); c.971G>T, p.Arg324Leu (NM_001287424.2); c.824G>T, p.Arg275Leu (NM_001287435.2); short protein forms R289L, R170L, R275L, R324L.
Identifiers: ClinVar variation 2753976 (VCV002753976.3), dbSNP rs2145259528, ClinGen allele CA405274044.

ClinVar aggregate classification (germline): Uncertain significance (1 of 4 stars; one submission).

Conditions:
Acute myeloid leukemia (AML). Also called: Acute myeloid leukemia, adult; AML adult; Acute non-lymphocytic leukemia; Acute granulocytic leukemia; Leukemia, acute myeloid, somatic; Leukemia, acute myelogenous, somatic. Identifiers: Orphanet 519, MedGen C0023467, MeSH D015470, MONDO:0018874, OMIM 601626, HP:0004808. Disease mechanism: Constitutively activated FLT3.

Submission:

Labcorp Genetics (formerly Invitae), Labcorp
Classification: Uncertain significance for Acute myeloid leukemia. Last evaluated: 2023-08-19. Review status: criteria provided, single submitter. Criteria: Invitae Variant Classification Sherloc (09022015). Collection method: clinical testing. Allele origin: germline.
Comment: Advanced modeling of protein sequence and biophysical properties (such as structural, functional, and spatial information, amino acid conservation, physicochemical variation, residue mobility, and thermodynamic stability) performed at Invitae indicates that this missense variant is expected to disrupt CEBPA protein function. In summary, the available evidence is currently insufficient to determine the role of this variant in disease. Therefore, it has been classified as a Variant of Uncertain Significance. This variant has not been reported in the literature in individuals affected with CEBPA-related conditions. This sequence change replaces arginine, which is basic and polar, with leucine, which is neutral and non-polar, at codon 289 of the CEBPA protein (p.Arg289Leu). This variant is not present in population databases (gnomAD no frequency).